The following is an entry in ClinVar:

NC_000001.10:g.(?_228238337)_(228238642_?)dup

Gene: WNT3A (Wnt family member 3A; plus strand). Cytogenetic location: 1q42.13.
Variant type: Duplication.
Identifiers: ClinVar variation 2427124 (VCV002427124.4).

ClinVar aggregate classification (germline): Uncertain significance (1 of 4 stars; one submission).

Submission:

Labcorp Genetics (formerly Invitae), Labcorp
Classification: Uncertain significance. Last evaluated: 2022-08-15. Review status: criteria provided, single submitter. Criteria: Invitae Variant Classification Sherloc (09022015). Collection method: clinical testing. Allele origin: germline.
Comment: In summary, the available evidence is currently insufficient to determine the role of this variant in disease. Therefore, it has been classified as a Variant of Uncertain Significance. This variant has not been reported in the literature in individuals affected with WNT3A-related conditions. This variant results in a copy number gain of the genomic region encompassing exon(s) 3 of the WNT3A gene. While the exact position of this variant cannot be determined from the data, sub-genic copy number gains are generally in tandem (PMID: 25640679). This variant is predicted to be out-of-frame, and may result in an absent or disrupted protein product. However, the current clinical and genetic evidence is not sufficient to establish whether loss-of-function variants in WNT3A cause disease.

Literature cited by the submitters: PubMed 25640679.